The following is an entry in ClinVar:

ClinVar aggregate classification (germline): Uncertain significance (1 of 4 stars; one submission).

Conditions:
Cardiovascular phenotype. Identifiers: MedGen CN230736.

Allele frequency attached by ClinVar (database versions not stated): ExAC 0.00001.

Submission:

Ambry Genetics
Classification: Uncertain significance for Cardiovascular phenotype. Last evaluated: 2019-05-02. Review status: criteria provided, single submitter. Criteria: Ambry Variant Classification Scheme 2023. Collection method: clinical testing. Allele origin: germline.
Comment: The p.R1125G variant (also known as c.3373A>G), located in coding exon 23 of the DSP gene, results from an A to G substitution at nucleotide position 3373. The arginine at codon 1125 is replaced by glycine, an amino acid with dissimilar properties. This amino acid position is well conserved in available vertebrate species. In addition, the in silico prediction for this alteration is inconclusive. Since supporting evidence is limited at this time, the clinical significance of this alteration remains unclear.

NM_004415.4(DSP):c.3373A>G (p.Arg1125Gly)

Gene: DSP (desmoplakin; plus strand). Cytogenetic location: 6p24.3.
Variant type: single nucleotide variant.
Coding change: c.3373A>G on transcript NM_004415.4 (MANE Select); coding-DNA position 3373, A replaced by G.
Protein change: p.Arg1125Gly; replaces arginine 1125 with glycine.
Molecular consequence: missense variant.
Genome position (GRCh38, 1-based): chr6:7,579,563, A>G. VCF-style: chr6-7579563-A-G. GRCh37 (hg19) VCF-style: chr6-7579796-A-G.
Other names: c.3373A>G, p.Arg1125Gly (NM_001008844.3, NM_001319034.2); short protein forms R1125G.
Identifiers: ClinVar variation 1730749 (VCV001730749.2), dbSNP rs762546617, ClinGen allele CA037946.
Genomic context (GRCh38, chr6:7,579,563, plus strand): 5'-AAAGAACTCAATGAGAAGATCACCCGACTGACTTATGAGATTGAAGATGAAAAGAGAAGA[A>G]GAAAATCTGTGGAAGACAGATTTGACCAACAGAAGAATGACTATGACCAACTGCAGAAAG-3'
Protein context (NP_004406.2, residues 1115-1135): TYEIEDEKRR[Arg1125Gly]KSVEDRFDQQ